The following is an entry in ClinVar:

ClinVar aggregate classification (germline): Uncertain significance (1 of 4 stars; one submission).

Submission:

CeGaT Center for Human Genetics Tuebingen
Classification: Uncertain significance. Last evaluated: 2023-11-01. Review status: criteria provided, single submitter. Criteria: CeGaT Center For Human Genetics Tuebingen Variant Classification Criteria Version 2. Collection method: clinical testing. Allele origin: germline. Affected: yes. Observed: 1 variant allele.
Comment: SLC2A9: PM2, BP4

NM_020041.3(SLC2A9):c.1520A>C (p.Tyr507Ser)

Gene: SLC2A9 (solute carrier family 2 member 9; minus strand). Cytogenetic location: 4p16.1.
Variant type: single nucleotide variant.
Coding change: c.1520A>C on transcript NM_020041.3 (MANE Select); coding-DNA position 1520, A replaced by C.
Protein change: p.Tyr507Ser; replaces tyrosine 507 with serine.
Molecular consequence: missense variant.
Genome position (GRCh38, 1-based): chr4:9,826,500, T>G on the plus strand (A>C on the coding strand, the complement: SLC2A9 is on the minus strand). VCF-style: chr4-9826500-T-G. GRCh37 (hg19) VCF-style: chr4-9828124-T-G.
Other names: c.1433A>C, p.Tyr478Ser (NM_001001290.2); short protein forms Y478S, Y507S.
Identifiers: ClinVar variation 2672988 (VCV002672988.23), dbSNP rs899553019, ClinGen allele CA356400375.